The following is an entry in ClinVar:

ClinVar aggregate classification (germline): Benign/Likely benign. Review status: criteria provided, multiple submitters, no conflicts (2 of 4 stars). 4 submissions from 4 submitters: Benign (2); Likely benign (2). Last evaluated 2025-12-24.

Conditions:
Tuberous sclerosis 2 (TSC2). Identifiers: Orphanet 805, MedGen C1860707, MONDO:0013199, OMIM 613254.
Hereditary cancer-predisposing syndrome. Also called: Hereditary neoplastic syndrome; Neoplastic Syndromes, Hereditary; Tumor predisposition; Hereditary Cancer Syndrome. Identifiers: Orphanet 140162, MedGen C0027672, MeSH D009386, MONDO:0015356.

Allele frequency attached by ClinVar (database versions not stated): TOPMed 0.00001.

Submissions (4):

Labcorp Genetics (formerly Invitae), Labcorp
Classification: Likely benign for Tuberous sclerosis 2. Last evaluated: 2025-12-24. Review status: criteria provided, single submitter. Criteria: Invitae Variant Classification Sherloc (09022015). Collection method: clinical testing. Allele origin: germline.

Myriad Genetics, Inc.
Classification: Benign for Tuberous sclerosis 2. Last evaluated: 2025-05-15. Review status: criteria provided, single submitter. Criteria: Myriad Autosomal Dominant, Autosomal Recessive and X-Linked Classification Criteria (2023). Collection method: clinical testing. Allele origin: unknown.
Comment: This variant is considered benign. This variant is a silent/synonymous amino acid change and it is not expected to impact splicing.

Genome-Nilou Lab
Classification: Benign for Tuberous sclerosis 2. Last evaluated: 2021-11-07. Review status: criteria provided, single submitter. Criteria: ACMG Guidelines, 2015. Collection method: clinical testing. Allele origin: germline. Affected: no.

Ambry Genetics
Classification: Likely benign for Hereditary cancer-predisposing syndrome. Last evaluated: 2018-06-21. Review status: criteria provided, single submitter. Criteria: Ambry Variant Classification Scheme 2023. Collection method: clinical testing. Allele origin: germline.

NM_000548.5(TSC2):c.1815A>T (p.Pro605=)

Gene: TSC2 (TSC complex subunit 2; plus strand). Cytogenetic location: 16p13.3.
Variant type: single nucleotide variant.
Coding change: c.1815A>T on transcript NM_000548.5 (MANE Select); coding-DNA position 1815, A replaced by T.
Protein change: p.Pro605=; no amino-acid change (proline 605 retained).
Molecular consequence: synonymous variant.
Genome position (GRCh38, 1-based): chr16:2,070,554, A>T. VCF-style: chr16-2070554-A-T. GRCh37 (hg19) VCF-style: chr16-2120555-A-T.
Other names: c.1815A>T, p.Pro605= (NM_001077183.3, NM_001114382.3, NM_001363528.2 and 3 more transcripts); c.1704A>T, p.Pro568= (NM_001318827.2); c.1668A>T, p.Pro556= (NM_001318829.2); c.1215A>T, p.Pro405= (NM_001318831.2); c.1848A>T, p.Pro616= (NM_001318832.2).
Identifiers: ClinVar variation 467899 (VCV000467899.16), dbSNP rs961687056, ClinGen allele CA276735839.